The following is an entry in ClinVar:

NM_001382241.1(TNPO2):c.2592C>T (p.Leu864=)

Genes: TNPO2 (transportin 2; minus strand), LOC126862859 (CDK7 strongly-dependent group 2 enhancer GRCh37_chr19:12811952-12813151; plus strand). Cytogenetic location: 19p13.13.
Variant type: single nucleotide variant.
Coding change: c.2592C>T on transcript NM_001382241.1 (MANE Select); coding-DNA position 2592, C replaced by T.
Protein change: p.Leu864=; no amino-acid change (leucine 864 retained).
Molecular consequence: synonymous variant. On other transcripts: non-coding transcript variant (6).
Genome position (GRCh38, 1-based): chr19:12,701,448, G>A on the plus strand (C>T on the coding strand, the complement: TNPO2 is on the minus strand). VCF-style: chr19-12701448-G-A. GRCh37 (hg19) VCF-style: chr19-12812262-G-A.
Other names: c.2562C>T, p.Leu854= (NM_001136195.2, NM_001382236.1, NM_001382237.1 and 3 more transcripts); c.2592C>T, p.Leu864= (NM_001136196.2, NM_001382240.1, NM_001382242.1); c.2556C>T, p.Leu852= (NM_001382243.1).
Identifiers: ClinVar variation 777899 (VCV000777899.27), dbSNP rs185580176, ClinGen allele CA9228679.

ClinVar aggregate classification (germline): Benign/Likely benign. Review status: criteria provided, multiple submitters, no conflicts (2 of 4 stars). 3 submissions from 3 submitters: Benign (2); Likely benign (1). Last evaluated 2026-09-01.

Allele frequency attached by ClinVar (database versions not stated): 1000 Genomes Project 0.00399; TOPMed 0.00446; ESP Exome Variant Server 0.00452; 1000 Genomes Project 30x 0.00484; gnomAD exomes 0.00572 and 0.00663; gnomAD 0.00601 and 0.00628; ExAC 0.00610.
gnomAD v4.1: 9,296 of 1,613,834 alleles (0.58%); highest among the groups gnomAD compares: Middle Eastern, 0.97%; 54 homozygotes.

Submissions (3):

CeGaT Center for Human Genetics Tuebingen
Classification: Likely benign. Last evaluated: 2026-09-01. Review status: criteria provided, single submitter. Criteria: CeGaT Center For Human Genetics Tuebingen Variant Classification Criteria Version 2. Collection method: clinical testing. Allele origin: germline. Affected: yes. Observed: 16 variant alleles.
Comment: TNPO2: BP4, BS2

Labcorp Genetics (formerly Invitae), Labcorp
Classification: Benign. Last evaluated: 2018-03-29. Review status: criteria provided, single submitter. Criteria: Invitae Variant Classification Sherloc (09022015). Collection method: clinical testing. Allele origin: germline.

Breakthrough Genomics
Classification: Benign. Review status: criteria provided, single submitter. Criteria: ACMG Guidelines, 2015. Collection method: not provided. Allele origin: germline. Inheritance: Autosomal dominant inheritance. Affected: yes.